The following is an entry in ClinVar:

NM_001375524.1(TRRAP):c.3139C>T (p.Arg1047Cys)

Gene: TRRAP (transformation/transcription domain associated protein; plus strand). Cytogenetic location: 7q22.1.
Variant type: single nucleotide variant.
Coding change: c.3139C>T on transcript NM_001375524.1 (MANE Select); coding-DNA position 3139, C replaced by T.
Protein change: p.Arg1047Cys; replaces arginine 1047 with cysteine.
Molecular consequence: missense variant.
Genome position (GRCh38, 1-based): chr7:98,927,330, C>T. VCF-style: chr7-98927330-C-T. GRCh37 (hg19) VCF-style: chr7-98524953-C-T.
Other names: c.3139C>T, p.Arg1047Cys (NM_001244580.2, NM_003496.4); short protein forms R1047C.
Identifiers: ClinVar variation 3767528 (VCV003767528.2).

ClinVar aggregate classification (germline): Uncertain significance (1 of 4 stars; one submission).

gnomAD v4.1: 1 of 1,614,172 alleles (0.000062%); highest among the groups gnomAD compares: Non-Finnish European, 0.000085%; no homozygotes.

Submission:

GeneDx
Classification: Uncertain significance. Last evaluated: 2026-05-28. Review status: criteria provided, single submitter. Criteria: GeneDx Variant Classification Process June 2021. Collection method: clinical testing. Allele origin: germline.
Comment: Not observed at significant frequency in large population cohorts (gnomAD); In silico analysis supports that this missense variant has a deleterious effect on protein structure/function; Has not been previously published as pathogenic or benign to our knowledge